The following is an entry in ClinVar:

ClinVar aggregate classification (germline): Uncertain significance. Review status: criteria provided, single submitter (1 of 4 stars). 2 submissions from 2 submitters: Uncertain significance (1). 1 of the submissions does not count toward it. Last evaluated 2022-04-08.

Conditions:
CPE-related disorder. Also called: CPE-related condition.

Allele frequency attached by ClinVar (database versions not stated): ExAC 0.00005; gnomAD exomes 0.00005.
gnomAD v4.1: 29 of 1,613,932 alleles (0.0018%); highest among the groups gnomAD compares: Admixed American, 0.048%; 1 homozygote.

Submissions (2):

Labcorp Genetics (formerly Invitae), Labcorp
Classification: Uncertain significance. Last evaluated: 2022-04-08. Review status: criteria provided, single submitter. Criteria: Invitae Variant Classification Sherloc (09022015). Collection method: clinical testing. Allele origin: germline.
Comment: In summary, the available evidence is currently insufficient to determine the role of this variant in disease. Therefore, it has been classified as a Variant of Uncertain Significance. This sequence change replaces serine, which is neutral and polar, with alanine, which is neutral and non-polar, at codon 271 of the CPE protein (p.Ser271Ala). This variant is present in population databases (rs758176349, gnomAD 0.09%), including at least one homozygous and/or hemizygous individual. This variant has not been reported in the literature in individuals affected with CPE-related conditions. Algorithms developed to predict the effect of missense changes on protein structure and function are either unavailable or do not agree on the potential impact of this missense change (SIFT: "Not Available"; PolyPhen-2: "Benign"; Align-GVGD: "Not Available").

PreventionGenetics, part of Exact Sciences
Classification: Uncertain significance for CPE-related condition. Last evaluated: 2024-03-05. Review status: no assertion criteria provided. Collection method: clinical testing. Allele origin: germline. Not counted in ClinVar's aggregate classification.
Comment: The CPE c.811T>G variant is predicted to result in the amino acid substitution p.Ser271Ala. This variant has been reported in a single individual with myelomeningocele (Supplemental Table 5, Hebert et al. 2020. PubMed ID: 32970752). This variant is reported in 0.087% of alleles in individuals of Latino descent in gnomAD, which may be too frequent to be a primary cause of disease. Although we suspect this variant may be benign, at this time, the clinical significance of this variant is uncertain due to the absence of conclusive functional and genetic evidence.

NM_001873.4(CPE):c.811T>G (p.Ser271Ala)

Gene: CPE (carboxypeptidase E; plus strand). Cytogenetic location: 4q32.3.
Variant type: single nucleotide variant.
Coding change: c.811T>G on transcript NM_001873.4 (MANE Select); coding-DNA position 811, T replaced by G.
Protein change: p.Ser271Ala; replaces serine 271 with alanine.
Molecular consequence: missense variant.
Genome position (GRCh38, 1-based): chr4:165,484,442, T>G. VCF-style: chr4-165484442-T-G. GRCh37 (hg19) VCF-style: chr4-166405594-T-G.
Other names: c.811T>G (NM_001873.3); short protein forms S271A.
Identifiers: ClinVar variation 2044776 (VCV002044776.6), dbSNP rs758176349, ClinGen allele CA3130294.
Genomic context (GRCh38, chr4:165,484,442, plus strand): 5'-TCTGTGTCTGTTTCTTTAATCTTGTGGATTTGTTTTCTAGGTAGTGCTCACGAATACAGC[T>G]CCTCCCCAGATGACGCCATTTTCCAAAGCTTGGCCCGGGCATACTCTTCTTTCAACCCGG-3'
Protein context (NP_001864.1, residues 261-281): TRSGSAHEYS[Ser271Ala]SPDDAIFQSL